The following is an entry in ClinVar:

NM_000112.4(SLC26A2):c.1625_1650delinsAACACCA (p.Val542fs)

Gene: SLC26A2 (solute carrier family 26 member 2; plus strand). Cytogenetic location: 5q32.
Variant type: Indel.
Coding change: c.1625_1650delinsAACACCA on transcript NM_000112.4 (MANE Select); coding-DNA positions 1625 to 1650, TCATCCTCCGCACTCAGAAGCCAAAG replaced by AACACCA.
Protein change: p.Val542fs; shifts the reading frame from valine 542.
Molecular consequence: frameshift variant.
Genome position (GRCh38, 1-based): chr5:149,981,218-149,981,243, TCATCCTCCGCACTCAGAAGCCAAAG replaced by AACACCA. GRCh37 (hg19): chr5:149,360,781-149,360,806.
Other names: short protein forms V542fs.
Identifiers: ClinVar variation 967713 (VCV000967713.8), dbSNP rs1755093032, ClinGen allele CA1139659141.

ClinVar aggregate classification (germline): Pathogenic (1 of 4 stars; one submission).

Conditions:
Achondrogenesis, type IB (ACG1B). Also called: Achondrogenesis Type 1B. Identifiers: Orphanet 932, Orphanet 93298, MedGen C0265274, MONDO:0010966, OMIM 600972.
Diastrophic dysplasia (DTD). Also called: Diastrophic dwarfism. Identifiers: Orphanet 628, MedGen C0220726, MONDO:0009107, OMIM 222600.
Atelosteogenesis type II (AO2). Also called: Neonatal osseous dysplasia 1; SLC26A2-Related Atelosteogenesis; NEONATAL OSSEOUS DYSPLASIA I. Identifiers: Orphanet 56304, MedGen C1850554, MONDO:0009727, OMIM 256050.
Multiple epiphyseal dysplasia type 4 (EDM4). Also called: Multiple Epiphyseal Dysplasia, Recessive; SLC26A2-Related Multiple Epiphyseal Dysplasia; MULTIPLE EPIPHYSEAL DYSPLASIA WITH BILAYERED PATELLAE; MULTIPLE EPIPHYSEAL DYSPLASIA WITH CLUBFOOT; MULTIPLE EPIPHYSEAL DYSPLASIA, AUTOSOMAL RECESSIVE. Identifiers: Orphanet 93307, MedGen C1847593, MONDO:0009189, OMIM 226900.

Submission:

Labcorp Genetics (formerly Invitae), Labcorp
Classification: Pathogenic for Atelosteogenesis type II; Multiple epiphyseal dysplasia type 4; Achondrogenesis, type IB; Diastrophic dysplasia. Last evaluated: 2019-12-21. Review status: criteria provided, single submitter. Criteria: Invitae Variant Classification Sherloc (09022015). Collection method: clinical testing. Allele origin: germline.
Comment: This variant is not present in population databases (ExAC no frequency). This sequence change results in a premature translational stop signal in the SLC26A2 gene (p.Val542Glufs*14). While this is not anticipated to result in nonsense mediated decay, it is expected to disrupt the last 198 amino acids of the SLC26A2 protein. This variant has not been reported in the literature in individuals with SLC26A2-related conditions. For these reasons, this variant has been classified as Pathogenic. This variant disrupts the C-terminus of the SLC26A2 protein. Other variant(s) that disrupt this region (p.Thr627Leufs*23) have been determined to be pathogenic (Invitae). This suggests that variants that disrupt this region of the protein are likely to be causative of disease.